The following is an entry in ClinVar:

NM_006531.5(IFT88):c.92A>T (p.Glu31Val)

Gene: IFT88 (intraflagellar transport 88; plus strand). Cytogenetic location: 13q12.11.
Variant type: single nucleotide variant.
Coding change: c.92A>T on transcript NM_006531.5 (MANE Select); coding-DNA position 92, A replaced by T.
Protein change: p.Glu31Val; replaces glutamic acid 31 with valine.
Molecular consequence: missense variant. On other transcripts: 5 prime UTR variant (1), non-coding transcript variant (5).
Genome position (GRCh38, 1-based): chr13:20,582,958, A>T. VCF-style: chr13-20582958-A-T. GRCh37 (hg19) VCF-style: chr13-21157097-A-T.
Other names: c.92A>T, p.Glu31Val (NM_001318491.2, NM_001353568.2, NM_001353571.2 and 5 more transcripts); c.119A>T, p.Glu40Val (NM_001318493.2, NM_001353565.2, NM_001353566.2 and 6 more transcripts); c.-472A>T (NM_001353579.2); c.119A>T (NM_175605.3); short protein forms E31V, E40V.
Identifiers: ClinVar variation 2190455 (VCV002190455.6), dbSNP rs138599693, ClinGen allele CA6904941.

ClinVar aggregate classification (germline): Uncertain significance. Review status: criteria provided, multiple submitters, no conflicts (2 of 4 stars). 2 submissions from 2 submitters: Uncertain significance (2). Last evaluated 2026-01-20.

Allele frequency attached by ClinVar (database versions not stated): ExAC 0.00002; gnomAD 0.00002; gnomAD exomes 0.00003; TOPMed 0.00004; ESP Exome Variant Server 0.00008.
gnomAD v4.1: 38 of 1,610,684 alleles (0.0024%); highest among the groups gnomAD compares: Non-Finnish European, 0.0031%; no homozygotes.

Submissions (2):

Labcorp Genetics (formerly Invitae), Labcorp
Classification: Uncertain significance. Last evaluated: 2026-01-20. Review status: criteria provided, single submitter. Criteria: Invitae Variant Classification Sherloc (09022015). Collection method: clinical testing. Allele origin: germline.
Comment: This sequence change replaces glutamic acid, which is acidic and polar, with valine, which is neutral and non-polar, at codon 40 of the IFT88 protein (p.Glu40Val). This variant is present in population databases (rs138599693, gnomAD 0.004%). This variant has not been reported in the literature in individuals affected with IFT88-related conditions. ClinVar contains an entry for this variant (Variation ID: 2190455). An algorithm developed to predict the effect of missense changes on protein structure and function (PolyPhen-2) suggests that this variant is likely to be tolerated. In summary, the available evidence is currently insufficient to determine the role of this variant in disease. Therefore, it has been classified as a Variant of Uncertain Significance.

Ambry Genetics
Classification: Uncertain significance. Last evaluated: 2023-05-18. Review status: criteria provided, single submitter. Criteria: Ambry Variant Classification Scheme 2023. Collection method: clinical testing. Allele origin: germline.